The following is an entry in ClinVar:

NM_005562.3(LAMC2):c.407A>T (p.Asp136Val)

Gene: LAMC2 (laminin subunit gamma 2; plus strand). Cytogenetic location: 1q25.3.
Variant type: single nucleotide variant.
Coding change: c.407A>T on transcript NM_005562.3 (MANE Select); coding-DNA position 407, A replaced by T.
Protein change: p.Asp136Val; replaces aspartic acid 136 with valine.
Molecular consequence: missense variant.
Genome position (GRCh38, 1-based): chr1:183,218,392, A>T. VCF-style: chr1-183218392-A-T. GRCh37 (hg19) VCF-style: chr1-183187527-A-T.
Other names: c.407A>T, p.Asp136Val (NM_018891.3); short protein forms D136V.
Identifiers: ClinVar variation 293991 (VCV000293991.16), dbSNP rs12037099, ClinGen allele CA1282330.

ClinVar aggregate classification (germline): Benign. Review status: criteria provided, multiple submitters, no conflicts (2 of 4 stars). 3 submissions from 3 submitters: Benign (2). 1 of the submissions does not count toward it. Last evaluated 2026-02-02.

Conditions:
Junctional epidermolysis bullosa. Identifiers: Orphanet 305, MedGen C0079301, MONDO:0017612.
LAMC2-related disorder. Also called: LAMC2-related condition.

Allele frequency attached by ClinVar (database versions not stated): ESP Exome Variant Server 0.00023; gnomAD 0.00130 and 0.00215; gnomAD exomes 0.00152 and 0.00451; TOPMed 0.00219; ExAC 0.00450; 1000 Genomes Project 30x 0.01359; 1000 Genomes Project 0.01478.
gnomAD v4.1: 2,603 of 1,613,320 alleles (0.16%); highest among the groups gnomAD compares: East Asian, 4.6%; 75 homozygotes.

Submissions (3):

Labcorp Genetics (formerly Invitae), Labcorp
Classification: Benign. Last evaluated: 2026-02-02. Review status: criteria provided, single submitter. Criteria: Invitae Variant Classification Sherloc (09022015). Collection method: clinical testing. Allele origin: germline.

Illumina Laboratory Services, Illumina
Classification: Benign for Junctional epidermolysis bullosa. Last evaluated: 2018-01-12. Review status: criteria provided, single submitter. Criteria: ICSL Variant Classification Criteria 13 December 2019. Collection method: clinical testing. Allele origin: germline.
Comment: This variant was observed in the ICSL laboratory as part of a predisposition screen in an ostensibly healthy population. It had not been previously curated by ICSL or reported in the Human Gene Mutation Database (HGMD: prior to June 1st, 2018), and was therefore a candidate for classification through an automated scoring system. Utilizing variant allele frequency, disease prevalence and penetrance estimates, and inheritance mode, an automated score was calculated to assess if this variant is too frequent to cause the disease. Based on the score and internal cut-off values, a variant classified as benign is not then subjected to further curation. The score for this variant resulted in a classification of benign for this disease.

PreventionGenetics, part of Exact Sciences
Classification: Benign for LAMC2-related condition. Last evaluated: 2024-09-03. Review status: no assertion criteria provided. Collection method: clinical testing. Allele origin: germline. Not counted in ClinVar's aggregate classification.
Comment: This variant is classified as benign based on ACMG/AMP sequence variant interpretation guidelines (Richards et al. 2015 PMID: 25741868, with internal and published modifications).